The following is an entry in ClinVar:

ClinVar aggregate classification (germline): Uncertain significance (1 of 4 stars; one submission).

Conditions:
Cardiovascular phenotype. Identifiers: MedGen CN230736.

Allele frequency attached by ClinVar (database versions not stated): gnomAD exomes below 0.00001.
gnomAD v4.1: 1 of 1,614,070 alleles (0.000062%); highest among the groups gnomAD compares: Non-Finnish European, 0.000085%; no homozygotes.

Submission:

Ambry Genetics
Classification: Uncertain significance for Cardiovascular phenotype. Last evaluated: 2020-03-06. Review status: criteria provided, single submitter. Criteria: Ambry Variant Classification Scheme 2023. Collection method: clinical testing. Allele origin: germline.
Comment: The p.S2464P variant (also known as c.7390T>C), located in coding exon 30 of the TTN gene, results from a T to C substitution at nucleotide position 7390. The serine at codon 2464 is replaced by proline, an amino acid with similar properties. This amino acid position is highly conserved in available vertebrate species. In addition, the in silico prediction for this alteration is inconclusive. Since supporting evidence is limited at this time, the clinical significance of this alteration remains unclear.

NM_001267550.2(TTN):c.7528T>C (p.Ser2510Pro)

Gene: TTN (titin; minus strand). Cytogenetic location: 2q31.2.
Variant type: single nucleotide variant.
Coding change: c.7528T>C on transcript NM_001267550.2 (MANE Select); coding-DNA position 7528, T replaced by C.
Protein change: p.Ser2510Pro; replaces serine 2510 with proline.
Molecular consequence: missense variant.
Genome position (GRCh38, 1-based): chr2:178,773,528, A>G on the plus strand (T>C on the coding strand, the complement: TTN is on the minus strand). VCF-style: chr2-178773528-A-G. GRCh37 (hg19) VCF-style: chr2-179638255-A-G.
Other names: c.7528T>C, p.Ser2510Pro (NM_001256850.1, NM_133378.4, NM_133379.5); c.7390T>C, p.Ser2464Pro (NM_003319.4, NM_133432.3, NM_133437.4); short protein forms S2510P, S2464P.
Identifiers: ClinVar variation 1758667 (VCV001758667.2), dbSNP rs2532673367, ClinGen allele CA349680005.
Genomic context (GRCh38, chr2:178,773,528, plus strand): 5'-CAGAGAGATTACAGTTGGTTTCAACTCTGCCAACTATCAGCTTGTAAGGTCCTTCGTCTG[A>G]AGCATGAGTTCGGTTAATGACTAGTCGCTGTTTAGTACCTTTCACAATGGCCTGTACACG-3'
Protein context (NP_001254479.2, residues 2500-2520): QRLVINRTHA[Ser2510Pro]DEGPYKLIVG